The following is an entry in ClinVar:

NM_001008537.3(NEXMIF):c.1883G>A (p.Arg628Gln)

Gene: NEXMIF (neurite extension and migration factor; minus strand). Cytogenetic location: Xq13.3.
Variant type: single nucleotide variant.
Coding change: c.1883G>A on transcript NM_001008537.3 (MANE Select); coding-DNA position 1883, G replaced by A.
Protein change: p.Arg628Gln; replaces arginine 628 with glutamine.
Molecular consequence: missense variant.
Genome position (GRCh38, 1-based): chrX:74,742,674, C>T on the plus strand (G>A on the coding strand, the complement: NEXMIF is on the minus strand). VCF-style: chrX-74742674-C-T. GRCh37 (hg19) VCF-style: chrX-73962509-C-T.
Other names: short protein forms R628Q.
Identifiers: ClinVar variation 1050098 (VCV001050098.6), dbSNP rs747436946, ClinGen allele CA331301771.
Genomic context (GRCh38, chrX:74,742,674, plus strand): 5'-GCTGAAATTTCAATGGATGGGATTCTTTGAATCCTGTGCCTGTTGCCAAGTTTAGATTTT[C>T]GTTTGCGAGCAGGTGGCAGAAATGACACCTCAAAGCTACCTGGTTCAAAGCTTTGCTTTT-3'
Protein context (NP_001008537.1, residues 618-638): EVSFLPPARK[Arg628Gln]KSKLGNRHRI

ClinVar aggregate classification (germline): Likely benign. Review status: criteria provided, single submitter (1 of 4 stars). 2 submissions from 2 submitters: Likely benign (1). 1 of the submissions does not count toward it. Last evaluated 2025-02-26.

Allele frequency attached by ClinVar (database versions not stated): TOPMed 0.00001; gnomAD 0.00002; gnomAD exomes 0.00002; 1000 Genomes Project 30x 0.00021; 1000 Genomes Project 0.00026.
gnomAD v4.1: 15 of 1,209,439 alleles (0.0012%); highest among the groups gnomAD compares: South Asian, 0.021%; no homozygotes.

Submissions (2):

Labcorp Genetics (formerly Invitae), Labcorp
Classification: Likely benign. Last evaluated: 2025-02-26. Review status: criteria provided, single submitter. Criteria: Invitae Variant Classification Sherloc (09022015). Collection method: clinical testing. Allele origin: germline.

Department of Pathology and Laboratory Medicine, Sinai Health System
Classification: Uncertain significance. Review status: no assertion criteria provided. Collection method: clinical testing. Allele origin: unknown. Affected: yes. Study: The Canadian Open Genetics Repository (COGR). Not counted in ClinVar's aggregate classification.
Comment: The NEXMIF p.Arg628Gln variant was not identified in the literature nor was it identified in ClinVar, Cosmic, or LOVD 3.0. The variant was identified in dbSNP (ID: rs747436946). The variant was identified in control databases in 4 of 180778 chromosomes (3 hemizygous) at a frequency of 0.000022 (Genome Aggregation Database Feb 27, 2017). The variant was observed in the following populations: South Asian in 4 of 18751 chromosomes (freq: 0.000213), while the variant was not observed in the African, Latino, Ashkenazi Jewish, East Asian, European (Finnish), European (non-Finnish), and Other populations. The p.Arg628 residue is conserved in mammals and computational analyses (PolyPhen-2, SIFT, AlignGVGD, BLOSUM, MutationTaster) provide inconsistent predictions regarding the impact to the protein; this information is not very predictive of pathogenicity. The variant occurs outside of the splicing consensus sequence and in silico or computational prediction software programs (SpliceSiteFinder, MaxEntScan, NNSPLICE, GeneSplicer) do not predict a difference in splicing. In summary, based on the above information the clinical significance of this variant cannot be determined with certainty at this time. This variant is classified as a variant of uncertain significance.